The following is an entry in ClinVar:

NM_006440.5(TXNRD2):c.1276-15G>A

Gene: TXNRD2 (thioredoxin reductase 2; minus strand). Cytogenetic location: 22q11.21.
Variant type: single nucleotide variant.
Coding change: c.1276-15G>A on transcript NM_006440.5 (MANE Select); 15 bases into the intron before coding-DNA position 1276, G replaced by A.
Molecular consequence: intron variant.
Genome position (GRCh38, 1-based): chr22:19,878,452, C>T on the plus strand (G>A on the coding strand, the complement: TXNRD2 is on the minus strand). VCF-style: chr22-19878452-C-T. GRCh37 (hg19) VCF-style: chr22-19865975-C-T.
Other names: c.1273-15G>A (NM_001352300.2); c.988-15G>A (NM_001352302.2); c.1186-15G>A (NM_001352301.2).
Identifiers: ClinVar variation 390776 (VCV000390776.9), dbSNP rs374202570, ClinGen allele CA10103714.

ClinVar aggregate classification (germline): Likely benign. Review status: criteria provided, multiple submitters, no conflicts (2 of 4 stars). 2 submissions from 2 submitters: Likely benign (2). Last evaluated 2026-01-15.

Conditions:
Primary dilated cardiomyopathy (DCM). Also called: Dilated Cardiomyopathy. Identifiers: Orphanet 217604, MedGen C0007193, MeSH D002311, MONDO:0005021, HP:0001644. Inheritance: Various modes of inheritance.

Allele frequency attached by ClinVar (database versions not stated): ExAC 0.00005; ESP Exome Variant Server 0.00008; gnomAD exomes 0.00008; TOPMed 0.00009; gnomAD 0.00013 and 0.00014.
gnomAD v4.1: 311 of 1,612,436 alleles (0.019%); highest among the groups gnomAD compares: Non-Finnish European, 0.025%; no homozygotes.

Submissions (2):

Labcorp Genetics (formerly Invitae), Labcorp
Classification: Likely benign for Primary dilated cardiomyopathy. Last evaluated: 2026-01-15. Review status: criteria provided, single submitter. Criteria: Invitae Variant Classification Sherloc (09022015). Collection method: clinical testing. Allele origin: germline.

GeneDx
Classification: Likely benign. Last evaluated: 2016-11-15. Review status: criteria provided, single submitter. Criteria: GeneDx Variant Classification (06012015). Collection method: clinical testing. Allele origin: germline. Affected: yes.
Comment: This variant is considered likely benign or benign based on one or more of the following criteria: it is a conservative change, it occurs at a poorly conserved position in the protein, it is predicted to be benign by multiple in silico algorithms, and/or has population frequency not consistent with disease.